The following is an entry in ClinVar:

ClinVar aggregate classification (germline): Uncertain significance (1 of 4 stars; one submission).

Conditions:
Hereditary pancreatitis (PCTT). Also called: Hereditary chronic pancreatitis; PRSS1-Related Hereditary Pancreatitis. Identifiers: Orphanet 676, MedGen C0238339, MONDO:0008185, OMIM 167800.

gnomAD v4.1: 1 of 1,458,658 alleles (0.000069%); highest among the groups gnomAD compares: Admixed American, 0.0019%; no homozygotes.

Submission:

Ambry Genetics
Classification: Uncertain significance for Hereditary pancreatitis. Last evaluated: 2026-05-14. Review status: criteria provided, single submitter. Criteria: Ambry Variant Classification Scheme 2023. Collection method: clinical testing. Allele origin: germline.
Comment: The p.N25H variant (also known as c.73A>C), located in coding exon 2 of the CTRC gene, results from an A to C substitution at nucleotide position 73. The asparagine at codon 25 is replaced by histidine, an amino acid with similar properties. This amino acid position is conserved. In addition, this alteration is predicted to be tolerated by in silico analysis. Based on the available evidence, the clinical significance of this variant remains unclear.

NM_007272.3(CTRC):c.73A>C (p.Asn25His)

Gene: CTRC (chymotrypsin C; plus strand). Cytogenetic location: 1p36.21.
Variant type: single nucleotide variant.
Coding change: c.73A>C on transcript NM_007272.3 (MANE Select); coding-DNA position 73, A replaced by C.
Protein change: p.Asn25His; replaces asparagine 25 with histidine.
Molecular consequence: missense variant.
Genome position (GRCh38, 1-based): chr1:15,440,332, A>C. VCF-style: chr1-15440332-A-C. GRCh37 (hg19) VCF-style: chr1-15766828-A-C.
Other names: short protein forms N25H.
Identifiers: ClinVar variation 4869535 (VCV004869535.1).